The following is an entry in ClinVar:

ClinVar aggregate classification (germline): Uncertain significance (1 of 4 stars; one submission).

Conditions:
Hereditary cancer-predisposing syndrome. Also called: Hereditary neoplastic syndrome; Neoplastic Syndromes, Hereditary; Tumor predisposition; Hereditary Cancer Syndrome. Identifiers: Orphanet 140162, MedGen C0027672, MeSH D009386, MONDO:0015356.

Submission:

Ambry Genetics
Classification: Uncertain significance for Hereditary cancer-predisposing syndrome. Last evaluated: 2025-08-27. Review status: criteria provided, single submitter. Criteria: Ambry Variant Classification Scheme 2023. Collection method: clinical testing. Allele origin: germline.
Comment: The p.R203S variant (also known as c.607C>A), located in coding exon 8 of the MUTYH gene, results from a C to A substitution at nucleotide position 607. The arginine at codon 203 is replaced by serine, an amino acid with dissimilar properties. This amino acid position is conserved. In addition, the in silico prediction for this alteration is inconclusive. Based on the available evidence, the clinical significance of this variant remains unclear.

NM_001048174.2(MUTYH):c.523C>A (p.Arg175Ser)

Gene: MUTYH (mutY DNA glycosylase; minus strand). Cytogenetic location: 1p34.1.
Variant type: single nucleotide variant.
Coding change: c.523C>A on transcript NM_001048174.2 (MANE Select); coding-DNA position 523, C replaced by A.
Protein change: p.Arg175Ser; replaces arginine 175 with serine.
Molecular consequence: missense variant. On other transcripts: non-coding transcript variant (7).
Genome position (GRCh38, 1-based): chr1:45,332,657, G>T on the plus strand (C>A on the coding strand, the complement: MUTYH is on the minus strand). VCF-style: chr1-45332657-G-T. GRCh37 (hg19) VCF-style: chr1-45798329-G-T.
Other names: c.523C>A, p.Arg175Ser (NM_001293195.2, NM_001407070.1, NM_001407072.1 and 6 more transcripts); c.247C>A, p.Arg83Ser (NM_001293196.2, NM_001407091.1, NM_001293192.2); c.178C>A, p.Arg60Ser (NM_001350650.2, NM_001350651.2, NM_001407082.1); c.556C>A, p.Arg186Ser (NM_001407069.1, NM_001293191.2, NM_001407077.1); c.526C>A, p.Arg176Ser (NM_001407071.1, NM_001048172.2, NM_001407078.1 and 1 more transcripts); c.544C>A, p.Arg182Ser (NM_001407087.1); c.598C>A, p.Arg200Ser (NM_012222.3); c.607C>A, p.Arg203Ser (NM_001128425.2); and 5 more; short protein forms R161S, R175S, R190S, R200S, R189S, R147S, R162S, R186S.
Identifiers: ClinVar variation 4113757 (VCV004113757.1).